The following is an entry in ClinVar:

ClinVar aggregate classification (germline): Uncertain significance (1 of 4 stars; one submission).

Submission:

Labcorp Genetics (formerly Invitae), Labcorp
Classification: Uncertain significance. Last evaluated: 2022-07-12. Review status: criteria provided, single submitter. Criteria: Invitae Variant Classification Sherloc (09022015). Collection method: clinical testing. Allele origin: germline.
Comment: In summary, the available evidence is currently insufficient to determine the role of this variant in disease. Therefore, it has been classified as a Variant of Uncertain Significance. Algorithms developed to predict the effect of missense changes on protein structure and function are either unavailable or do not agree on the potential impact of this missense change (SIFT: "Deleterious"; PolyPhen-2: "Probably Damaging"; Align-GVGD: "Class C0"). ClinVar contains an entry for this variant (Variation ID: 1498168). This variant has not been reported in the literature in individuals affected with PITRM1-related conditions. This variant is not present in population databases (gnomAD no frequency). This sequence change replaces proline, which is neutral and non-polar, with leucine, which is neutral and non-polar, at codon 828 of the PITRM1 protein (p.Pro828Leu).

NM_014889.4(PITRM1):c.2777C>T (p.Pro926Leu)

Gene: PITRM1 (pitrilysin metallopeptidase 1; minus strand). Cytogenetic location: 10p15.2.
Variant type: single nucleotide variant.
Coding change: c.2777C>T on transcript NM_014889.4 (MANE Select); coding-DNA position 2777, C replaced by T.
Protein change: p.Pro926Leu; replaces proline 926 with leucine.
Molecular consequence: missense variant. On other transcripts: non-coding transcript variant (4).
Genome position (GRCh38, 1-based): chr10:3,139,044, G>A on the plus strand (C>T on the coding strand, the complement: PITRM1 is on the minus strand). VCF-style: chr10-3139044-G-A. GRCh37 (hg19) VCF-style: chr10-3181236-G-A.
Other names: c.2780C>T, p.Pro927Leu (NM_001242307.2); c.2483C>T, p.Pro828Leu (NM_001242309.1); c.2579C>T, p.Pro860Leu (NM_001347725.2); c.1964C>T, p.Pro655Leu (NM_001347726.2); c.2162C>T, p.Pro721Leu (NM_001347727.2); c.1472C>T, p.Pro491Leu (NM_001347728.2); c.2753C>T, p.Pro918Leu (NM_001347729.1); c.2555C>T, p.Pro852Leu (NM_001347730.1); short protein forms P852L, P655L, P721L, P828L, P927L, P491L, P860L, P918L.
Identifiers: ClinVar variation 1498168 (VCV001498168.6), dbSNP rs757549094, ClinGen allele CA375866801.
Genomic context (GRCh38, chr10:3,139,044, plus strand): 5'-TTTCCAGACTTAGCCCAGTCGACAGCCTTCCCAAAAGACTGGAGCGTCTCTATTGTATTT[G>A]GGTCCCTAGGAAACCCAGAGAAATAAACGGGCAAGCATTTTACCAGTGGACAAGTTTATG-3'
Protein context (NP_055704.2, residues 916-936): GIFTLYSYRD[Pro926Leu]NTIETLQSFG